The following is an entry in ClinVar:

ClinVar aggregate classification (germline): Uncertain significance. Review status: criteria provided, multiple submitters, no conflicts (2 of 4 stars). 2 submissions from 2 submitters: Uncertain significance (2). Last evaluated 2022-02-08.

Conditions:
Neurodevelopmental disorder with progressive microcephaly, spasticity, and brain anomalies. Identifiers: Orphanet 521426, MedGen C4479631, MONDO:0060502, OMIM 617527.

Submissions (2):

Labcorp Genetics (formerly Invitae), Labcorp
Classification: Uncertain significance. Last evaluated: 2022-02-08. Review status: criteria provided, single submitter. Criteria: Invitae Variant Classification Sherloc (09022015). Collection method: clinical testing. Allele origin: germline.
Comment: Algorithms developed to predict the effect of missense changes on protein structure and function (SIFT, PolyPhen-2, Align-GVGD) all suggest that this variant is likely to be tolerated. In summary, the available evidence is currently insufficient to determine the role of this variant in disease. Therefore, it has been classified as a Variant of Uncertain Significance. ClinVar contains an entry for this variant (Variation ID: 1030979). This variant has not been reported in the literature in individuals affected with PLAA-related conditions. This variant is not present in population databases (gnomAD no frequency). This sequence change replaces tyrosine, which is neutral and polar, with histidine, which is basic and polar, at codon 775 of the PLAA protein (p.Tyr775His).

Baylor Genetics
Classification: Uncertain significance for Neurodevelopmental disorder with progressive microcephaly, spasticity, and brain anomalies. Last evaluated: 2020-01-15. Review status: criteria provided, single submitter. Criteria: ACMG Guidelines, 2015. Collection method: clinical testing. Allele origin: unknown. Affected: yes.
Comment: This variant was determined to be of uncertain significance according to ACMG Guidelines, 2015 [PMID:25741868].

NM_001031689.3(PLAA):c.2323T>C (p.Tyr775His)

Gene: PLAA (phospholipase A2 activating protein; minus strand). Cytogenetic location: 9p21.2.
Variant type: single nucleotide variant.
Coding change: c.2323T>C on transcript NM_001031689.3 (MANE Select); coding-DNA position 2323, T replaced by C.
Protein change: p.Tyr775His; replaces tyrosine 775 with histidine.
Molecular consequence: missense variant.
Genome position (GRCh38, 1-based): chr9:26,905,576, A>G on the plus strand (T>C on the coding strand, the complement: PLAA is on the minus strand). VCF-style: chr9-26905576-A-G. GRCh37 (hg19) VCF-style: chr9-26905574-A-G.
Other names: c.2254T>C, p.Tyr752His (NM_001321546.2); short protein forms Y752H, Y775H.
Identifiers: ClinVar variation 1030979 (VCV001030979.8), dbSNP rs1824203390, ClinGen allele CA373124751.
Genomic context (GRCh38, chr9:26,905,576, plus strand): 5'-GCAAATTTAGGATAAATCTACAGCATTCACTTACTTTAGCTGGTTCTGATACTGAGGAAT[A>G]CTTTTTTATTTGAGAATCAACACCTAAAGACTTGGCTAATTGTACAGCATTTGAATCATC-3'
Protein context (NP_001026859.1, residues 765-785): SLGVDSQIKK[Tyr775His]SSVSEPAKVS